The following is an entry in ClinVar:

NM_004104.5(FASN):c.85G>A (p.Gly29Ser)

Gene: FASN (fatty acid synthase; minus strand). Cytogenetic location: 17q25.3.
Variant type: single nucleotide variant.
Coding change: c.85G>A on transcript NM_004104.5 (MANE Select); coding-DNA position 85, G replaced by A.
Protein change: p.Gly29Ser; replaces glycine 29 with serine.
Molecular consequence: missense variant.
Genome position (GRCh38, 1-based): chr17:82,096,361, C>T on the plus strand (G>A on the coding strand, the complement: FASN is on the minus strand). VCF-style: chr17-82096361-C-T. GRCh37 (hg19) VCF-style: chr17-80054237-C-T.
Other names: short protein forms G29S.
Identifiers: ClinVar variation 858923 (VCV000858923.9), dbSNP rs762641757, ClinGen allele CA8853684.
Genomic context (GRCh38, chr17:82,096,361, plus strand): 5'-AGCCCCGCAGCCACATACCCGCCTTCCAGCGACGGTCATCGTCCGTGACCATGTCCACAC[C>T]GCCGATGAGGTTGTCCCAGAACTCCTGCAAGTTCTCCGACTCTGGCAGCTTCCCGGACAT-3'
Protein context (NP_004095.4, residues 19-39): LQEFWDNLIG[Gly29Ser]VDMVTDDDRR

ClinVar aggregate classification (germline): Uncertain significance (1 of 4 stars; one submission).

Conditions:
Epileptic encephalopathy. Identifiers: MedGen C0543888, HP:0200134.

Allele frequency attached by ClinVar (database versions not stated): ExAC 0.00002; gnomAD exomes 0.00003; TOPMed 0.00004; gnomAD 0.00005.

Submission:

Labcorp Genetics (formerly Invitae), Labcorp
Classification: Uncertain significance for Epileptic encephalopathy. Last evaluated: 2024-05-08. Review status: criteria provided, single submitter. Criteria: Invitae Variant Classification Sherloc (09022015). Collection method: clinical testing. Allele origin: germline.
Comment: This sequence change replaces glycine, which is neutral and non-polar, with serine, which is neutral and polar, at codon 29 of the FASN protein (p.Gly29Ser). This variant is present in population databases (rs762641757, gnomAD 0.01%). This variant has not been reported in the literature in individuals affected with FASN-related conditions. ClinVar contains an entry for this variant (Variation ID: 858923). Algorithms developed to predict the effect of missense changes on protein structure and function output the following: SIFT: "Not Available"; PolyPhen-2: "Benign"; Align-GVGD: "Not Available". The serine amino acid residue is found in multiple mammalian species, which suggests that this missense change does not adversely affect protein function. In summary, the available evidence is currently insufficient to determine the role of this variant in disease. Therefore, it has been classified as a Variant of Uncertain Significance.